The following is an entry in ClinVar:

NM_022041.4(GAN):c.1259A>C (p.Lys420Thr)

Gene: GAN (gigaxonin; plus strand). Cytogenetic location: 16q23.2.
Variant type: single nucleotide variant.
Coding change: c.1259A>C on transcript NM_022041.4 (MANE Select); coding-DNA position 1259, A replaced by C.
Protein change: p.Lys420Thr; replaces lysine 420 with threonine.
Molecular consequence: missense variant.
Genome position (GRCh38, 1-based): chr16:81,364,996, A>C. VCF-style: chr16-81364996-A-C. GRCh37 (hg19) VCF-style: chr16-81398601-A-C.
Other names: c.620A>C, p.Lys207Thr (NM_001377486.1); short protein forms K420T, K207T.
Identifiers: ClinVar variation 246242 (VCV000246242.2), dbSNP rs879254174, ClinGen allele CA10584540.
Genomic context (GRCh38, chr16:81,364,996, plus strand): 5'-AATGTTGCCTCTCCCCCACCATTGTTCTCTGCTTTCAGATCGGCTGCTATGCAGCTATGA[A>C]AAAGAAAATCTACGCCATGGGTGGAGGCTCCTACGGAAAGCTTTTTGAGTCTGTAGAGTG-3'
Protein context (NP_071324.1, residues 410-430): VRKIGCYAAM[Lys420Thr]KKIYAMGGGS

ClinVar aggregate classification (germline): Uncertain significance (1 of 4 stars; one submission).

Allele frequency attached by ClinVar (database versions not stated): gnomAD exomes below 0.00001; TOPMed 0.00001.
gnomAD v4.1: 4 of 1,614,092 alleles (0.00025%); highest among the groups gnomAD compares: Non-Finnish European, 0.00034%; no homozygotes.

Submission:

GeneDx
Classification: Uncertain significance. Last evaluated: 2015-12-19. Review status: criteria provided, single submitter. Criteria: GeneDx Variant Classification (06012015). Collection method: clinical testing. Allele origin: germline. Affected: yes.
Comment: The K420T variant has not been published as a pathogenic variant, nor has it been reported as a benign variant to our knowledge. It was not observed in approximately 6,500 individuals of European and African American ancestry in the NHLBI Exome Sequencing Project, indicating it is not a common benign variant in these populations. The K420T variant is a semi-conservative amino acid substitution, which may impact secondary protein structure as these residues differ in some properties. This substitution occurs at a position that is conserved in mammals. In silico analysis is inconsistent in its predictions as to whether or not the variant is damaging to the protein structure/function. Therefore, based on the currently available information, it is unclear whether this variant is a pathogenic variant or a rare benign variant.